The following is an entry in ClinVar:

ClinVar aggregate classification (germline): Uncertain significance. Review status: criteria provided, multiple submitters, no conflicts (2 of 4 stars). 2 submissions from 2 submitters: Uncertain significance (2). Last evaluated 2024-01-12.

Conditions:
Inborn genetic diseases. Identifiers: MedGen C0950123, MeSH D030342.

Submissions (2):

Labcorp Genetics (formerly Invitae), Labcorp
Classification: Uncertain significance. Last evaluated: 2024-01-12. Review status: criteria provided, single submitter. Criteria: Invitae Variant Classification Sherloc (09022015). Collection method: clinical testing. Allele origin: germline.
Comment: This sequence change replaces arginine, which is basic and polar, with glutamine, which is neutral and polar, at codon 400 of the NACC1 protein (p.Arg400Gln). This variant is not present in population databases (gnomAD no frequency). This variant has not been reported in the literature in individuals affected with NACC1-related conditions. ClinVar contains an entry for this variant (Variation ID: 986258). Advanced modeling of protein sequence and biophysical properties (such as structural, functional, and spatial information, amino acid conservation, physicochemical variation, residue mobility, and thermodynamic stability) performed at Invitae indicates that this missense variant is not expected to disrupt NACC1 protein function with a negative predictive value of 80%. In summary, the available evidence is currently insufficient to determine the role of this variant in disease. Therefore, it has been classified as a Variant of Uncertain Significance.

Ambry Genetics
Classification: Uncertain significance for Inborn genetic diseases. Last evaluated: 2017-02-13. Review status: criteria provided, single submitter. Criteria: Ambry exome assertion method (8-5-2015). Collection method: clinical testing. Allele origin: germline. Affected: yes. Observed: 1 variant allele.

NM_052876.4(NACC1):c.1199G>A (p.Arg400Gln)

Gene: NACC1 (nucleus accumbens associated 1; plus strand). Cytogenetic location: 19p13.13.
Variant type: single nucleotide variant.
Coding change: c.1199G>A on transcript NM_052876.4 (MANE Select); coding-DNA position 1199, G replaced by A.
Protein change: p.Arg400Gln; replaces arginine 400 with glutamine.
Molecular consequence: missense variant.
Genome position (GRCh38, 1-based): chr19:13,137,349, G>A. VCF-style: chr19-13137349-G-A. GRCh37 (hg19) VCF-style: chr19-13248163-G-A.
Other names: short protein forms R400Q.
Identifiers: ClinVar variation 986258 (VCV000986258.10), dbSNP rs2019720392, ClinGen allele CA404329294.